The following is an entry in ClinVar:

NM_000254.3(MTR):c.940G>A (p.Asp314Asn)

Gene: MTR (5-methyltetrahydrofolate-homocysteine methyltransferase; plus strand). Cytogenetic location: 1q43.
Variant type: single nucleotide variant.
Coding change: c.940G>A on transcript NM_000254.3 (MANE Select); coding-DNA position 940, G replaced by A.
Protein change: p.Asp314Asn; replaces aspartic acid 314 with asparagine.
Molecular consequence: missense variant. On other transcripts: 5 prime UTR variant (1).
Genome position (GRCh38, 1-based): chr1:236,826,841, G>A. VCF-style: chr1-236826841-G-A. GRCh37 (hg19) VCF-style: chr1-236990141-G-A.
Other names: c.940G>A, p.Asp314Asn (NM_001291939.1); c.-169G>A (NM_001291940.2); short protein forms D314N.
Identifiers: ClinVar variation 296556 (VCV000296556.25), dbSNP rs2229274, ClinGen allele CA1473936.

ClinVar aggregate classification (germline): Benign. Review status: criteria provided, multiple submitters, no conflicts (2 of 4 stars). 6 submissions from 6 submitters: Benign (6). Last evaluated 2026-02-04.

Conditions:
Disorders of Intracellular Cobalamin Metabolism. Identifiers: MedGen CN043592.
Methylcobalamin deficiency type cblG (HMAG). Also called: HOMOCYSTINURIA-MEGALOBLASTIC ANEMIA, cblG TYPE; HOMOCYSTINURIA-MEGALOBLASTIC ANEMIA DUE TO DEFECT IN COBALAMIN METABOLISM, cblG COMPLEMENTATION TYPE; HOMOCYSTINURIA-MEGALOBLASTIC ANEMIA, cblG COMPLEMENTATION TYPE; Functional methionine synthase deficiency type cblG. Identifiers: Orphanet 2170, Orphanet 622, MedGen C1855128, MONDO:0009609, OMIM 250940.

Allele frequency attached by ClinVar (database versions not stated): 1000 Genomes Project 0.00839; 1000 Genomes Project 30x 0.00921; gnomAD 0.01766 and 0.01853; gnomAD exomes 0.01862 and 0.02035; TOPMed 0.01869; ExAC 0.01909; ESP Exome Variant Server 0.02007.
gnomAD v4.1: 32,563 of 1,613,906 alleles (2%); highest among the groups gnomAD compares: Middle Eastern, 4.5%; 448 homozygotes.

Submissions (6):

Labcorp Genetics (formerly Invitae), Labcorp
Classification: Benign for Methylcobalamin deficiency type cblG. Last evaluated: 2026-02-04. Review status: criteria provided, single submitter. Criteria: Invitae Variant Classification Sherloc (09022015). Collection method: clinical testing. Allele origin: germline.

ARUP Laboratories, Molecular Genetics and Genomics, ARUP Laboratories
Classification: Benign. Last evaluated: 2025-06-04. Review status: criteria provided, single submitter. Criteria: ARUP Molecular Germline Variant Investigation Process 2024. Collection method: clinical testing. Allele origin: germline.

Mayo Clinic Laboratories, Mayo Clinic
Classification: Benign. Last evaluated: 2024-11-10. Review status: criteria provided, single submitter. Criteria: ACMG Guidelines, 2015. Collection method: clinical testing. Allele origin: germline. Observed: 3 variant alleles.

Illumina Laboratory Services, Illumina
Classification: Benign for Disorders of Intracellular Cobalamin Metabolism. Last evaluated: 2018-01-13. Review status: criteria provided, single submitter. Criteria: ICSL Variant Classification Criteria 13 December 2019. Collection method: clinical testing. Allele origin: germline.
Comment: This variant was observed in the ICSL laboratory as part of a predisposition screen in an ostensibly healthy population. It had not been previously curated by ICSL or reported in the Human Gene Mutation Database (HGMD: prior to June 1st, 2018), and was therefore a candidate for classification through an automated scoring system. Utilizing variant allele frequency, disease prevalence and penetrance estimates, and inheritance mode, an automated score was calculated to assess if this variant is too frequent to cause the disease. Based on the score and internal cut-off values, a variant classified as benign is not then subjected to further curation. The score for this variant resulted in a classification of benign for this disease.

GeneDx
Classification: Benign. Last evaluated: 2016-01-29. Review status: criteria provided, single submitter. Criteria: GeneDx Variant Classification (06012015). Collection method: clinical testing. Allele origin: germline. Affected: yes.
Comment: This variant is considered likely benign or benign based on one or more of the following criteria: it is a conservative change, it occurs at a poorly conserved position in the protein, it is predicted to be benign by multiple in silico algorithms, and/or has population frequency not consistent with disease.

Breakthrough Genomics
Classification: Benign. Review status: criteria provided, single submitter. Criteria: ACMG Guidelines, 2015. Collection method: not provided. Allele origin: germline. Inheritance: Autosomal recessive inheritance. Affected: yes.